The following is an entry in ClinVar:

NM_014484.5(MOCS3):c.14A>T (p.Glu5Val)

Gene: MOCS3 (molybdenum cofactor synthesis 3; plus strand). Cytogenetic location: 20q13.13.
Variant type: single nucleotide variant.
Coding change: c.14A>T on transcript NM_014484.5 (MANE Select); coding-DNA position 14, A replaced by T.
Protein change: p.Glu5Val; replaces glutamic acid 5 with valine.
Molecular consequence: missense variant.
Genome position (GRCh38, 1-based): chr20:50,958,856, A>T. VCF-style: chr20-50958856-A-T. GRCh37 (hg19) VCF-style: chr20-49575393-A-T.
Other names: short protein forms E5V.
Identifiers: ClinVar variation 4736709 (VCV004736709.1).

ClinVar aggregate classification (germline): Uncertain significance (1 of 4 stars; one submission).

Submission:

Labcorp Genetics (formerly Invitae), Labcorp
Classification: Uncertain significance. Last evaluated: 2025-04-01. Review status: criteria provided, single submitter. Criteria: Invitae Variant Classification Sherloc (09022015). Collection method: clinical testing. Allele origin: germline.
Comment: This sequence change replaces glutamic acid, which is acidic and polar, with valine, which is neutral and non-polar, at codon 5 of the MOCS3 protein (p.Glu5Val). This variant is not present in population databases (gnomAD no frequency). This variant has not been reported in the literature in individuals affected with MOCS3-related conditions. An algorithm developed to predict the effect of missense changes on protein structure and function (PolyPhen-2) suggests that this variant is likely to be tolerated. In summary, the available evidence is currently insufficient to determine the role of this variant in disease. Therefore, it has been classified as a Variant of Uncertain Significance.